The following is an entry in ClinVar:

NM_006208.3(ENPP1):c.1039G>A (p.Glu347Lys)

Gene: ENPP1 (ectonucleotide pyrophosphatase/phosphodiesterase 1; plus strand). Cytogenetic location: 6q23.2.
Variant type: single nucleotide variant.
Coding change: c.1039G>A on transcript NM_006208.3 (MANE Select); coding-DNA position 1039, G replaced by A.
Protein change: p.Glu347Lys; replaces glutamic acid 347 with lysine.
Molecular consequence: missense variant.
Genome position (GRCh38, 1-based): chr6:131,864,519, G>A. VCF-style: chr6-131864519-G-A. GRCh37 (hg19) VCF-style: chr6-132185659-G-A.
Other names: short protein forms E347K.
Identifiers: ClinVar variation 3008884 (VCV003008884.3), dbSNP rs1465789672, ClinGen allele CA365671220.

ClinVar aggregate classification (germline): Uncertain significance (1 of 4 stars; one submission).

Allele frequency attached by ClinVar (database versions not stated): gnomAD 0.00001; TOPMed 0.00001.
gnomAD v4.1: 3 of 1,608,286 alleles (0.00019%); highest among the groups gnomAD compares: Admixed American, 0.0033%; no homozygotes.

Submission:

Labcorp Genetics (formerly Invitae), Labcorp
Classification: Uncertain significance. Last evaluated: 2023-09-25. Review status: criteria provided, single submitter. Criteria: Invitae Variant Classification Sherloc (09022015). Collection method: clinical testing. Allele origin: germline.
Comment: This variant is not present in population databases (gnomAD no frequency). This sequence change replaces glutamic acid, which is acidic and polar, with lysine, which is basic and polar, at codon 347 of the ENPP1 protein (p.Glu347Lys). This variant has not been reported in the literature in individuals affected with ENPP1-related conditions. In summary, the available evidence is currently insufficient to determine the role of this variant in disease. Therefore, it has been classified as a Variant of Uncertain Significance. Algorithms developed to predict the effect of sequence changes on RNA splicing suggest that this variant may disrupt the consensus splice site. Advanced modeling of protein sequence and biophysical properties (such as structural, functional, and spatial information, amino acid conservation, physicochemical variation, residue mobility, and thermodynamic stability) performed at Invitae indicates that this missense variant is expected to disrupt ENPP1 protein function.